The following is an entry in ClinVar:

ClinVar aggregate classification (germline): Uncertain significance (1 of 4 stars; one submission).

Conditions:
Hypertrophic cardiomyopathy. Also called: HYPERTROPHIC MYOCARDIOPATHY. Identifiers: Orphanet 217569, MedGen C0007194, MeSH D002312, MONDO:0005045, HP:0001639.

Submission:

Labcorp Genetics (formerly Invitae), Labcorp
Classification: Uncertain significance for Hypertrophic cardiomyopathy. Last evaluated: 2025-06-30. Review status: criteria provided, single submitter. Criteria: Invitae Variant Classification Sherloc (09022015). Collection method: clinical testing. Allele origin: germline.
Comment: This sequence change replaces alanine, which is neutral and non-polar, with aspartic acid, which is acidic and polar, at codon 176 of the MYBPC3 protein (p.Ala176Asp). This variant is not present in population databases (gnomAD no frequency). This variant has not been reported in the literature in individuals affected with MYBPC3-related conditions. An algorithm developed to predict the effect of missense changes on protein structure and function (PolyPhen-2) suggests that this variant is likely to be disruptive. In summary, the available evidence is currently insufficient to determine the role of this variant in disease. Therefore, it has been classified as a Variant of Uncertain Significance.

NM_000256.3(MYBPC3):c.527C>A (p.Ala176Asp)

Gene: MYBPC3 (myosin binding protein C3; minus strand). Cytogenetic location: 11p11.2.
Variant type: single nucleotide variant.
Coding change: c.527C>A on transcript NM_000256.3 (MANE Select); coding-DNA position 527, C replaced by A.
Protein change: p.Ala176Asp; replaces alanine 176 with aspartic acid.
Molecular consequence: missense variant.
Genome position (GRCh38, 1-based): chr11:47,349,901, G>T on the plus strand (C>A on the coding strand, the complement: MYBPC3 is on the minus strand). VCF-style: chr11-47349901-G-T. GRCh37 (hg19) VCF-style: chr11-47371452-G-T.
Other names: short protein forms A176D.
Identifiers: ClinVar variation 4722376 (VCV004722376.1).